The following is an entry in ClinVar:

ClinVar aggregate classification (germline): Benign/Likely benign. Review status: criteria provided, multiple submitters, no conflicts (2 of 4 stars). 5 submissions from 5 submitters: Benign (2); Likely benign (2). 1 of the submissions does not count toward it. Last evaluated 2026-01-04.

Conditions:
SMAD6-related disease. Also called: SMAD6-related disorder; SMAD6-related condition. Identifiers: MedGen CN381596, MONDO:0700324.
Inborn genetic diseases. Identifiers: MedGen C0950123, MeSH D030342.
Aortic valve disease 2 (AOVD2). Identifiers: MedGen C3542024, MONDO:0013902, OMIM 614823.

Allele frequency attached by ClinVar (database versions not stated): 1000 Genomes Project 30x 0.00203.
gnomAD v4.1: 358 of 1,455,114 alleles (0.025%); highest among the groups gnomAD compares: African/African-American, 0.48%; 2 homozygotes.

Submissions (5):

Labcorp Genetics (formerly Invitae), Labcorp
Classification: Benign for Aortic valve disease 2. Last evaluated: 2026-01-04. Review status: criteria provided, single submitter. Criteria: Invitae Variant Classification Sherloc (09022015). Collection method: clinical testing. Allele origin: germline.

Blueprint Genetics
Classification: Likely benign. Last evaluated: 2024-11-13. Review status: criteria provided, single submitter. Criteria: ACMG Guidelines, 2015. Collection method: clinical testing. Allele origin: germline.

Women's Health and Genetics/Laboratory Corporation of America, LabCorp
Classification: Benign. Last evaluated: 2023-07-21. Review status: criteria provided, single submitter. Criteria: LabCorp Variant Classification Summary - May 2015. Collection method: clinical testing. Allele origin: germline.

Ambry Genetics
Classification: Likely benign for Inborn genetic diseases. Last evaluated: 2022-02-17. Review status: criteria provided, single submitter. Criteria: Ambry Variant Classification Scheme 2023. Collection method: clinical testing. Allele origin: germline.

PreventionGenetics, part of Exact Sciences
Classification: Benign for SMAD6-related condition. Last evaluated: 2024-02-21. Review status: no assertion criteria provided. Collection method: clinical testing. Allele origin: germline. Not counted in ClinVar's aggregate classification.
Comment: This variant is classified as benign based on ACMG/AMP sequence variant interpretation guidelines (Richards et al. 2015 PMID: 25741868, with internal and published modifications).

NM_005585.5(SMAD6):c.120C>A (p.Gly40=)

Gene: SMAD6 (SMAD family member 6; plus strand). Cytogenetic location: 15q22.31.
Variant type: single nucleotide variant.
Coding change: c.120C>A on transcript NM_005585.5 (MANE Select); coding-DNA position 120, C replaced by A.
Protein change: p.Gly40=; no amino-acid change (glycine 40 retained).
Molecular consequence: synonymous variant. On other transcripts: non-coding transcript variant (1).
Genome position (GRCh38, 1-based): chr15:66,703,378, C>A. VCF-style: chr15-66703378-C-A. GRCh37 (hg19) VCF-style: chr15-66995716-C-A.
Identifiers: ClinVar variation 240175 (VCV000240175.17), dbSNP rs149612008, ClinGen allele CA7626441.